The following is an entry in ClinVar:

NM_005560.6(LAMA5):c.1240C>T (p.Arg414Cys)

Gene: LAMA5 (laminin subunit alpha 5; minus strand). Cytogenetic location: 20q13.33.
Variant type: single nucleotide variant.
Coding change: c.1240C>T on transcript NM_005560.6 (MANE Select); coding-DNA position 1240, C replaced by T.
Protein change: p.Arg414Cys; replaces arginine 414 with cysteine.
Molecular consequence: missense variant.
Genome position (GRCh38, 1-based): chr20:62,346,548, G>A on the plus strand (C>T on the coding strand, the complement: LAMA5 is on the minus strand). VCF-style: chr20-62346548-G-A. GRCh37 (hg19) VCF-style: chr20-60921604-G-A.
Other names: c.1240C>T (NM_005560.3); short protein forms R414C.
Identifiers: ClinVar variation 2652493 (VCV002652493.25), dbSNP rs371701601, ClinGen allele CA9944030.

ClinVar aggregate classification (germline): Uncertain significance. Review status: criteria provided, multiple submitters, no conflicts (2 of 4 stars). 2 submissions from 2 submitters: Uncertain significance (2). Last evaluated 2023-04-01.

Conditions:
Inborn genetic diseases. Identifiers: MedGen C0950123, MeSH D030342.

Allele frequency attached by ClinVar (database versions not stated): gnomAD 0.00003; TOPMed 0.00006; ESP Exome Variant Server 0.00008; gnomAD exomes 0.00009; ExAC 0.00013.
gnomAD v4.1: 139 of 1,559,186 alleles (0.0089%); highest among the groups gnomAD compares: Non-Finnish European, 0.011%; no homozygotes.

Submissions (2):

CeGaT Center for Human Genetics Tuebingen
Classification: Uncertain significance. Last evaluated: 2023-04-01. Review status: criteria provided, single submitter. Criteria: CeGaT Center For Human Genetics Tuebingen Variant Classification Criteria Version 2. Collection method: clinical testing. Allele origin: germline. Affected: yes. Observed: 1 variant allele.
Comment: LAMA5: PM2

Ambry Genetics
Classification: Uncertain significance for Inborn genetic diseases. Last evaluated: 2021-06-11. Review status: criteria provided, single submitter. Criteria: Ambry Variant Classification Scheme 2023. Collection method: clinical testing. Allele origin: germline.